The following is an entry in ClinVar:

NM_001182.5(ALDH7A1):c.*1804C>T

Gene: ALDH7A1 (aldehyde dehydrogenase 7 family member A1; minus strand). Cytogenetic location: 5q23.2.
Variant type: single nucleotide variant.
Coding change: c.*1804C>T on transcript NM_001182.5 (MANE Select); 1804 bases downstream of the stop codon, C replaced by T.
Molecular consequence: 3 prime UTR variant.
Genome position (GRCh38, 1-based): chr5:126,543,161, G>A on the plus strand (C>T on the coding strand, the complement: ALDH7A1 is on the minus strand). VCF-style: chr5-126543161-G-A. GRCh37 (hg19) VCF-style: chr5-125878853-G-A.
Other names: c.*1804C>T (NM_001201377.2, NM_001202404.2).
Identifiers: ClinVar variation 350543 (VCV000350543.5), dbSNP rs744723, ClinGen allele CA10619972.

ClinVar aggregate classification (germline): Benign (1 of 4 stars; one submission).

Conditions:
Pyridoxine-dependent epilepsy (EPEO4). Also called: Pyridoxine-Dependent Epilepsy - ALDH7A1; PYRIDOXINE DEPENDENCY WITH SEIZURES; EPILEPSY, EARLY-ONSET, 4, VITAMIN B6-DEPENDENT; Pyridoxine-Dependent Seizures. Identifiers: Orphanet 3006, MedGen C1849508, MONDO:0009945, OMIM 266100. Disease mechanism: loss of function.

Allele frequency attached by ClinVar (database versions not stated): 1000 Genomes Project 0.01238; gnomAD 0.01252 and 0.01339; TOPMed 0.01426; 1000 Genomes Project 30x 0.01405.

Submission:

Illumina Laboratory Services, Illumina
Classification: Benign for Pyridoxine-dependent epilepsy. Last evaluated: 2018-01-12. Review status: criteria provided, single submitter. Criteria: ICSL Variant Classification Criteria 13 December 2019. Collection method: clinical testing. Allele origin: germline.
Comment: This variant was observed in the ICSL laboratory as part of a predisposition screen in an ostensibly healthy population. It had not been previously curated by ICSL or reported in the Human Gene Mutation Database (HGMD: prior to June 1st, 2018), and was therefore a candidate for classification through an automated scoring system. Utilizing variant allele frequency, disease prevalence and penetrance estimates, and inheritance mode, an automated score was calculated to assess if this variant is too frequent to cause the disease. Based on the score and internal cut-off values, a variant classified as benign is not then subjected to further curation. The score for this variant resulted in a classification of benign for this disease.